The following is an entry in ClinVar:

NM_002025.4(AFF2):c.3815-5T>C

Gene: AFF2 (ALF transcription elongation factor 2; plus strand). Cytogenetic location: Xq28.
Variant type: single nucleotide variant.
Coding change: c.3815-5T>C on transcript NM_002025.4 (MANE Select); 5 bases into the intron before coding-DNA position 3815, T replaced by C.
Molecular consequence: intron variant.
Genome position (GRCh38, 1-based): chrX:148,991,206, T>C. VCF-style: chrX-148991206-T-C. GRCh37 (hg19) VCF-style: chrX-148072736-T-C.
Other names: c.3710-5T>C (NM_001169124.2, NM_001169122.2); c.3785-5T>C (NM_001169123.2); c.3698-5T>C (NM_001169125.2); c.2738-5T>C (NM_001170628.1).
Identifiers: ClinVar variation 1045736 (VCV001045736.8), dbSNP rs2072529658, ClinGen allele CA2464822272.
Genomic context (GRCh38, chrX:148,991,206, plus strand): 5'-TCAATGTGGTGCATATTTTCATGATATCATATAAAGGCCTAACTGAGAACTGCTCTGCTT[T>C]TCAGAATTCTTTGGTGATCTGGACACGCTGATGGGGCCTCTGACCCAGCACAGCAGCATG-3'

ClinVar aggregate classification (germline): Uncertain significance (1 of 4 stars; one submission).

Submission:

Labcorp Genetics (formerly Invitae), Labcorp
Classification: Uncertain significance. Last evaluated: 2020-08-09. Review status: criteria provided, single submitter. Criteria: Invitae Variant Classification Sherloc (09022015). Collection method: clinical testing. Allele origin: germline.
Comment: Algorithms developed to predict the effect of sequence changes on RNA splicing suggest that this variant may disrupt the consensus splice site, but this prediction has not been confirmed by published transcriptional studies. This sequence change falls in intron 20 of the AFF2 gene. It does not directly change the encoded amino acid sequence of the AFF2 protein. This variant is not present in population databases (ExAC no frequency). This variant has not been reported in the literature in individuals with AFF2-related conditions. In summary, the available evidence is currently insufficient to determine the role of this variant in disease. Therefore, it has been classified as a Variant of Uncertain Significance.